The following is an entry in ClinVar:

NM_001033855.3(DCLRE1C):c.2065C>T (p.Leu689Phe)

Gene: DCLRE1C (DNA cross-link repair 1C; minus strand). Cytogenetic location: 10p13.
Variant type: single nucleotide variant.
Coding change: c.2065C>T on transcript NM_001033855.3 (MANE Select); coding-DNA position 2065, C replaced by T.
Protein change: p.Leu689Phe; replaces leucine 689 with phenylalanine.
Molecular consequence: missense variant. On other transcripts: non-coding transcript variant (3), intron variant (3).
Genome position (GRCh38, 1-based): chr10:14,908,422, G>A on the plus strand (C>T on the coding strand, the complement: DCLRE1C is on the minus strand). VCF-style: chr10-14908422-G-A. GRCh37 (hg19) VCF-style: chr10-14950421-G-A.
Other names: c.1705C>T, p.Leu569Phe (NM_001033857.3, NM_001033858.3, NM_001289077.2 and 1 more transcripts); c.1720C>T, p.Leu574Phe (NM_001289076.2, NM_001289078.2, NM_022487.4); c.1437+283C>T (NM_001350966.2); c.1782+283C>T (NM_001350965.2); c.1422+283C>T (NM_001350967.2); short protein forms L569F, L574F, L689F.
Identifiers: ClinVar variation 4086576 (VCV004086576.1).

ClinVar aggregate classification (germline): Uncertain significance (1 of 4 stars; one submission).

gnomAD v4.1: 1 of 1,613,214 alleles (0.000062%); highest among the groups gnomAD compares: Non-Finnish European, 0.000085%; no homozygotes.

Submission:

GeneDx
Classification: Uncertain significance. Last evaluated: 2025-03-12. Review status: criteria provided, single submitter. Criteria: GeneDx Variant Classification Process June 2021. Collection method: clinical testing. Allele origin: germline. Affected: yes.
Comment: Not observed at significant frequency in large population cohorts (gnomAD); In silico analysis indicates that this missense variant does not alter protein structure/function; Has not been previously published as pathogenic or benign to our knowledge